The following is an entry in ClinVar:

ClinVar aggregate classification (germline): Benign/Likely benign. Review status: criteria provided, multiple submitters, no conflicts (2 of 4 stars). 5 submissions from 5 submitters: Benign (1); Likely benign (3). 1 of the submissions does not count toward it. Last evaluated 2024-07-01.

Conditions:
CDKL5 disorder. Identifiers: MedGen CN296942, MONDO:0100039.
Developmental and epileptic encephalopathy, 2 (DEE2). Also called: CDKL5 deficiency disorder; INFANTILE SPASM SYNDROME, X-LINKED 2. Identifiers: Orphanet 1934, Orphanet 3451, Orphanet 505652, MedGen C4750718, MONDO:0010396, OMIM 300672.

Allele frequency attached by ClinVar (database versions not stated): ExAC 0.00001; gnomAD exomes 0.00001.
gnomAD v4.1: 12 of 1,210,835 alleles (0.00099%); highest among the groups gnomAD compares: South Asian, 0.0018%; no homozygotes.

Submissions (5):

Centre for Population Genomics, CPG
Classification: Likely benign for CDKL5 disorder. Last evaluated: 2024-07-01. Review status: criteria provided, single submitter. Criteria: McKnight et al. (Hum Mutat. 2022). Collection method: curation. Allele origin: germline. Inheritance: X-linked inheritance.
Comment: This variant has been collected from RettBASE and curated to current modified ACMG/AMP criteria. Based on the classification scheme defined by the ClinGen Rett/Angelman-like Expert Panel for Rett/AS-like Disorders Specifications to the ACMG/AMP Variant Interpretation Guidelines VCEP 3.0, this variant is classified as likely benign. At least the following criteria are met: This variant is present in 11 heterozygous and 1 hemizygous in gnomAD v4 . The variant is observed in at least 2 individuals with no features of CDKL5 disorder (BS2). PMID: 16015284

CeGaT Center for Human Genetics Tuebingen
Classification: Likely benign. Last evaluated: 2021-04-01. Review status: criteria provided, single submitter. Criteria: CeGaT Center For Human Genetics Tuebingen Variant Classification Criteria Version 2. Collection method: clinical testing. Allele origin: germline. Affected: yes. Observed: 1 variant allele.

Victorian Clinical Genetics Services, Murdoch Childrens Research Institute
Classification: Likely benign for Developmental and epileptic encephalopathy, 2. Last evaluated: 2019-08-28. Review status: criteria provided, single submitter. Criteria: ACMG Guidelines, 2015. Collection method: clinical testing. Allele origin: germline. Inheritance: X-linked dominant inheritance.
Comment: A heterozygous missense variant, NM_003159.2(CDKL5):c.1400A>G, has been identified in exon 12 of 21 of the CDKL5 gene. The variant is predicted to result in a minor amino acid change from His to Arg at position 467 of the protein (NP_003150.1(CDKL5):p.(His467Arg)). The His residue at this position has high conservation (100 vertebrates, UCSC), but is not located within a well established functional domain. In-silico predictions for this variant are consistently pathogenic (Polyphen, SIFT, CADD, Mutation Taster). The variant is present in the gnomAD database at a frequency of 0.0005% (1 heterozyogte, 0 homozygotes, 0 hemizygoutes). The variant has been previously described as benign and segregated with disease in one family with disease (ClinVar, RettBASE, Evans et al 2005)). A different variant in the same codon resulting in a change to proline has also been reported as VUS (ClinVar, RettBASE, Liang et al 2011)). Based on the information available at the time of curation, this variant has been classified as LIKELY BENIGN.

Genetic Services Laboratory, University of Chicago
Classification: Benign. Last evaluated: 2013-02-08. Review status: criteria provided, single submitter. Criteria: ACMG Guidelines, 2007. Collection method: clinical testing. Allele origin: germline. Inheritance: X-linked inheritance.

RettBASE
Classification: Likely benign. Last evaluated: 2014-05-09. Review status: no assertion criteria provided. Collection method: curation. Allele origin: maternal, unknown. Observed: 2 variant alleles. Not counted in ClinVar's aggregate classification.

Literature cited by the submitters: PubMed 16015284 (cited by RettBASE).

NM_001323289.2(CDKL5):c.1400A>G (p.His467Arg)

Gene: CDKL5 (cyclin dependent kinase like 5; plus strand). Cytogenetic location: Xp22.13.
Variant type: single nucleotide variant.
Coding change: c.1400A>G on transcript NM_001323289.2 (MANE Select); coding-DNA position 1400, A replaced by G.
Protein change: p.His467Arg; replaces histidine 467 with arginine.
Molecular consequence: missense variant.
Genome position (GRCh38, 1-based): chrX:18,604,324, A>G. VCF-style: chrX-18604324-A-G. GRCh37 (hg19) VCF-style: chrX-18622444-A-G.
Other names: NM_001323289.2(CDKL5):c.1400A>G; p.His467Arg; c.1400A>G, p.His467Arg (NM_001037343.2, NM_003159.3); short protein forms H467R.
Identifiers: ClinVar variation 158178 (VCV000158178.43), dbSNP rs267608631, ClinGen allele CA171611.